The following is an entry in ClinVar:

NM_018075.5(ANO10):c.1293+1G>T

Gene: ANO10 (anoctamin 10; minus strand). Cytogenetic location: 3p22.1.
Variant type: single nucleotide variant.
Coding change: c.1293+1G>T on transcript NM_018075.5 (MANE Select); the canonical splice donor site of the intron after coding-DNA position 1293, G replaced by T.
Molecular consequence: splice donor variant.
Genome position (GRCh38, 1-based): chr3:43,565,652, C>A on the plus strand (G>T on the coding strand, the complement: ANO10 is on the minus strand). VCF-style: chr3-43565652-C-A. GRCh37 (hg19) VCF-style: chr3-43607144-C-A.
Other names: c.1095+1G>T (NM_001346469.2, NM_001204832.3, NM_001346466.2); c.1293+1G>T (NM_001346468.2, NM_001346465.2, NM_001204831.3 and 3 more transcripts); c.960+1G>T (NM_001204833.3); c.723+1G>T (NM_001204834.3).
Identifiers: ClinVar variation 3384889 (VCV003384889.1).

ClinVar aggregate classification (germline): Likely pathogenic (1 of 4 stars; one submission).

Conditions:
Autosomal recessive spinocerebellar ataxia 10. Identifiers: Orphanet 284289, MedGen C3150998, MONDO:0013392, OMIM 613728.

gnomAD v4.1: 4 of 1,574,512 alleles (0.00025%); highest among the groups gnomAD compares: Non-Finnish European, 0.00035%; no homozygotes.

Submission:

Women's Health and Genetics/Laboratory Corporation of America, LabCorp
Classification: Likely pathogenic for Autosomal recessive spinocerebellar ataxia 10. Last evaluated: 2024-10-07. Review status: criteria provided, single submitter. Criteria: LabCorp Variant Classification Summary - May 2015. Collection method: clinical testing. Allele origin: germline.
Comment: Variant summary: ANO10 c.1293+1G>T is located in a canonical splice-site and is predicted to affect mRNA splicing resulting in a significantly altered protein due to either exon skipping, shortening, or inclusion of intronic material. Variants that disrupt the consensus splice site are a relatively common cause of aberrant splicing and loss of ANO10 function. Several computational tools predict a significant impact on normal splicing: Four predict the variant abolishes a 5' splicing donor site. However, these predictions have yet to be confirmed by functional studies. The variant allele was found at a frequency of 2.5e-06 in 1574512 control chromosomes. To our knowledge, no occurrence of c.1293+1G>T in individuals affected with Spinocerebellar ataxia 10 and no experimental evidence demonstrating its impact on protein function have been reported. No submitters have cited clinical-significance assessments for this variant to ClinVar. Based on the evidence outlined above, the variant was classified as likely pathogenic.